The following is an entry in ClinVar:

ClinVar aggregate classification (germline): Pathogenic. Review status: criteria provided, multiple submitters, no conflicts (2 of 4 stars). 2 submissions from 2 submitters: Pathogenic (2). Last evaluated 2026-04-02.

Conditions:
Early-infantile DEE. Also called: Early infantile epileptic encephalopathy with suppression bursts; Early infantile epileptic encephalopathy; Ohtahara syndrome. Identifiers: Orphanet 1934, MedGen C0393706, MONDO:0800491.

Submissions (2):

GeneDx
Classification: Pathogenic. Last evaluated: 2026-04-02. Review status: criteria provided, single submitter. Criteria: GeneDx Variant Classification Process June 2021. Collection method: clinical testing. Allele origin: germline.
Comment: Canonical splice site variant predicted to result in a null allele in a gene for which loss-of-function is a known mechanism of disease; Not observed in large population cohorts (gnomAD); Has not been previously published as pathogenic or benign to our knowledge

Labcorp Genetics (formerly Invitae), Labcorp
Classification: Pathogenic for Early-infantile DEE. Last evaluated: 2025-01-15. Review status: criteria provided, single submitter. Criteria: Invitae Variant Classification Sherloc (09022015). Collection method: clinical testing. Allele origin: germline.
Comment: This sequence change affects an acceptor splice site in intron 7 of the KCNQ2 gene. It is expected to disrupt RNA splicing. Variants that disrupt the donor or acceptor splice site typically lead to a loss of protein function (PMID: 16199547), and loss-of-function variants in KCNQ2 are known to be pathogenic (PMID: 14534157, 23692823, 27779742). This variant is not present in population databases (gnomAD no frequency). Disruption of this splice site has been observed in individuals with developmental and epileptic encephalopathy (PMID: 25959266; internal data). ClinVar contains an entry for this variant (Variation ID: 1066163). Algorithms developed to predict the effect of sequence changes on RNA splicing suggest that this variant may disrupt the consensus splice site. For these reasons, this variant has been classified as Pathogenic.

Literature cited by the submitters: PubMed 16199547 (cited by Labcorp Genetics (formerly Invitae), Labcorp); PubMed 14534157 (cited by Labcorp Genetics (formerly Invitae), Labcorp); PubMed 23692823 (cited by Labcorp Genetics (formerly Invitae), Labcorp); PubMed 27779742 (cited by Labcorp Genetics (formerly Invitae), Labcorp); PubMed 25959266 (cited by Labcorp Genetics (formerly Invitae), Labcorp).

NM_172107.4(KCNQ2):c.1024-2A>C

Gene: KCNQ2 (potassium voltage-gated channel subfamily Q member 2; minus strand). Cytogenetic location: 20q13.33.
Variant type: single nucleotide variant.
Coding change: c.1024-2A>C on transcript NM_172107.4 (MANE Select); the canonical splice acceptor site of the intron before coding-DNA position 1024, A replaced by C.
Molecular consequence: splice acceptor variant.
Genome position (GRCh38, 1-based): chr20:63,433,905, T>G on the plus strand (A>C on the coding strand, the complement: KCNQ2 is on the minus strand). VCF-style: chr20-63433905-T-G. GRCh37 (hg19) VCF-style: chr20-62065258-T-G.
Other names: c.1024-2A>C (NM_004518.6, NM_172108.5, NM_172106.3 and 2 more transcripts).
Identifiers: ClinVar variation 1066163 (VCV001066163.11), dbSNP rs1057516104, ClinGen allele CA409651318.